The following is an entry in ClinVar:

NM_001271.4(CHD2):c.428G>A (p.Arg143Lys)

Gene: CHD2 (chromodomain helicase DNA binding protein 2; plus strand). Cytogenetic location: 15q26.1.
Variant type: single nucleotide variant.
Coding change: c.428G>A on transcript NM_001271.4 (MANE Select); coding-DNA position 428, G replaced by A.
Protein change: p.Arg143Lys; replaces arginine 143 with lysine.
Molecular consequence: missense variant.
Genome position (GRCh38, 1-based): chr15:92,929,076, G>A. VCF-style: chr15-92929076-G-A. GRCh37 (hg19) VCF-style: chr15-93472306-G-A.
Other names: c.428G>A, p.Arg143Lys (NM_001042572.3); short protein forms R143K.
Identifiers: ClinVar variation 951189 (VCV000951189.7), dbSNP rs2053117542, ClinGen allele CA393897585.

ClinVar aggregate classification (germline): Uncertain significance (1 of 4 stars; one submission).

Conditions:
Developmental and epileptic encephalopathy 94 (DEE94). Also called: CHD2-Related Neurodevelopmental Disorders; Epileptic encephalopathy, childhood-onset. Identifiers: Orphanet 1942, Orphanet 2382, MedGen C3809278, MONDO:0014150, OMIM 615369.

Submission:

Labcorp Genetics (formerly Invitae), Labcorp
Classification: Uncertain significance for Developmental and epileptic encephalopathy 94. Last evaluated: 2024-05-28. Review status: criteria provided, single submitter. Criteria: Invitae Variant Classification Sherloc (09022015). Collection method: clinical testing. Allele origin: germline.
Comment: This sequence change replaces arginine, which is basic and polar, with lysine, which is basic and polar, at codon 143 of the CHD2 protein (p.Arg143Lys). This variant is not present in population databases (gnomAD no frequency). This variant has not been reported in the literature in individuals affected with CHD2-related conditions. ClinVar contains an entry for this variant (Variation ID: 951189). Advanced modeling of protein sequence and biophysical properties (such as structural, functional, and spatial information, amino acid conservation, physicochemical variation, residue mobility, and thermodynamic stability) performed at Invitae indicates that this missense variant is not expected to disrupt CHD2 protein function with a negative predictive value of 95%. In summary, the available evidence is currently insufficient to determine the role of this variant in disease. Therefore, it has been classified as a Variant of Uncertain Significance.